The following is an entry in ClinVar:

ClinVar aggregate classification (germline): Uncertain significance (1 of 4 stars; one submission).

Conditions:
Gorlin syndrome. Also called: Nevoid Basal Cell Carcinoma Syndrome; Basal cell nevus syndrome. Identifiers: Orphanet 377, MedGen C0004779, MONDO:0007187.

Submission:

Labcorp Genetics (formerly Invitae), Labcorp
Classification: Uncertain significance for Gorlin syndrome. Last evaluated: 2024-01-31. Review status: criteria provided, single submitter. Criteria: Invitae Variant Classification Sherloc (09022015). Collection method: clinical testing. Allele origin: germline.
Comment: This sequence change replaces aspartic acid, which is acidic and polar, with valine, which is neutral and non-polar, at codon 428 of the PTCH1 protein (p.Asp428Val). This variant is not present in population databases (gnomAD no frequency). This variant has not been reported in the literature in individuals affected with PTCH1-related conditions. ClinVar contains an entry for this variant (Variation ID: 1462454). Advanced modeling of protein sequence and biophysical properties (such as structural, functional, and spatial information, amino acid conservation, physicochemical variation, residue mobility, and thermodynamic stability) performed at Invitae indicates that this missense variant is not expected to disrupt PTCH1 protein function with a negative predictive value of 95%. In summary, the available evidence is currently insufficient to determine the role of this variant in disease. Therefore, it has been classified as a Variant of Uncertain Significance.

NM_000264.5(PTCH1):c.1283A>T (p.Asp428Val)

Gene: PTCH1 (patched 1; minus strand). Cytogenetic location: 9q22.32.
Variant type: single nucleotide variant.
Coding change: c.1283A>T on transcript NM_000264.5 (MANE Select); coding-DNA position 1283, A replaced by T.
Protein change: p.Asp428Val; replaces aspartic acid 428 with valine.
Molecular consequence: missense variant. On other transcripts: non-coding transcript variant (1).
Genome position (GRCh38, 1-based): chr9:95,478,119, T>A on the plus strand (A>T on the coding strand, the complement: PTCH1 is on the minus strand). VCF-style: chr9-95478119-T-A. GRCh37 (hg19) VCF-style: chr9-98240401-T-A.
Other names: c.1085A>T, p.Asp362Val (NM_001083602.3); c.1280A>T, p.Asp427Val (NM_001083603.3); c.830A>T, p.Asp277Val (NM_001083604.3, NM_001083605.3, NM_001083606.3 and 1 more transcripts); c.1283A>T, p.Asp428Val (NM_001354918.2); short protein forms D428V, D277V, D427V, D362V.
Identifiers: ClinVar variation 1462454 (VCV001462454.6), dbSNP rs1554698835, ClinGen allele CA374118833.